The following is an entry in ClinVar:

NM_001098.3(ACO2):c.706G>A (p.Gly236Ser)

Gene: ACO2 (aconitase 2; plus strand). Cytogenetic location: 22q13.2.
Variant type: single nucleotide variant.
Coding change: c.706G>A on transcript NM_001098.3 (MANE Select); coding-DNA position 706, G replaced by A.
Protein change: p.Gly236Ser; replaces glycine 236 with serine.
Molecular consequence: missense variant.
Genome position (GRCh38, 1-based): chr22:41,515,788, G>A. VCF-style: chr22-41515788-G-A. GRCh37 (hg19) VCF-style: chr22-41911792-G-A.
Other names: short protein forms G236S.
Identifiers: ClinVar variation 3646773 (VCV003646773.2).
Genomic context (GRCh38, chr22:41,515,788, plus strand): 5'-ACACGGCCTCTCACAGCCGCCTCGCCCCCTCCTGTCCAGGTGATTGGCGTGAAGCTGACG[G>A]GCTCTCTCTCCGGTTGGTCCTCACCCAAAGATGTGATCCTGAAGGTGGCAGGCATCCTCA-3'
Protein context (NP_001089.1, residues 226-246): CPKVIGVKLT[Gly236Ser]SLSGWSSPKD

ClinVar aggregate classification (germline): Uncertain significance (1 of 4 stars; one submission).

gnomAD v4.1: 4 of 1,613,718 alleles (0.00025%); highest among the groups gnomAD compares: Non-Finnish European, 0.00034%; no homozygotes.

Submission:

Labcorp Genetics (formerly Invitae), Labcorp
Classification: Uncertain significance. Last evaluated: 2024-04-03. Review status: criteria provided, single submitter. Criteria: Invitae Variant Classification Sherloc (09022015). Collection method: clinical testing. Allele origin: germline.
Comment: This sequence change replaces glycine, which is neutral and non-polar, with serine, which is neutral and polar, at codon 236 of the ACO2 protein (p.Gly236Ser). This variant is present in population databases (no rsID available, gnomAD 0.002%). This variant has not been reported in the literature in individuals affected with ACO2-related conditions. Advanced modeling of protein sequence and biophysical properties (such as structural, functional, and spatial information, amino acid conservation, physicochemical variation, residue mobility, and thermodynamic stability) performed at Invitae indicates that this missense variant is expected to disrupt ACO2 protein function with a positive predictive value of 80%. In summary, the available evidence is currently insufficient to determine the role of this variant in disease. Therefore, it has been classified as a Variant of Uncertain Significance.